The following is an entry in ClinVar:

ClinVar aggregate classification (germline): Uncertain significance. Review status: criteria provided, multiple submitters, no conflicts (2 of 4 stars). 2 submissions from 2 submitters: Uncertain significance (2). Last evaluated 2023-05-08.

Conditions:
Malignant hyperthermia, susceptibility to, 1 (MHS1). Also called: RYR1-Related Malignant Hyperthermia Susceptibility; Malignant hyperthermia suceptibility 1; Anesthesia related hyperthermia; Malignant hyperpyrexia; Fulminating hyperpyrexia; Pharmacogenic myopathy. Identifiers: Orphanet 423, MedGen C2930980, MONDO:0007783, OMIM 145600.

gnomAD v4.1: 1 of 1,614,136 alleles (0.000062%); highest among the groups gnomAD compares: South Asian, 0.0011%; no homozygotes.

Submissions (2):

All of Us Research Program, National Institutes of Health
Classification: Uncertain significance for Malignant hyperthermia, susceptibility to, 1. Last evaluated: 2023-05-08. Review status: criteria provided, single submitter. Criteria: ACMG Guidelines, 2015. Collection method: clinical testing. Allele origin: germline. Inheritance: Autosomal dominant inheritance. Observed: 1 variant allele, 1 heterozygote.
Comment: This study involves interpretation of variants in research participants for the purpose of population health screening. Participant phenotype was not available at the time of variant classification. Additional details can be found in publication PMID: 35346344, PMCID: PMC8962531

GeneDx
Classification: Uncertain significance. Last evaluated: 2016-10-07. Review status: criteria provided, single submitter. Criteria: GeneDx Variant Classification (06012015). Collection method: clinical testing. Allele origin: germline. Affected: yes.
Comment: p.Thr621Ala (ACT>GCT): c.1861 A>G in exon 17 in the RYR1 gene (NM_000540.2). The T621A variant in the RYR1 gene has not been published as a mutation, nor has it been reported as a benign polymorphism to our knowledge. The T621A variant was not observed in approximately 6,500 individuals of European and African American ancestry in the NHLBI Exome Sequencing Project, indicating it is not a common benign variant in these populations. The T621A variant is a non-conservative amino acid substitution, which is likely to impact secondary protein structure as these residues differ in polarity, charge, size and/or other properties. This substitution occurs at a position that is conserved across species. In silico analysis is inconsistent in its predictions as to whether or not the variant is damaging to the protein structure/function. We interpret T621A as a variant of unknown significance. This variant has been observed to be paternally and maternally inherited. The variant is found in RYR1 panel(s).

NM_000540.3(RYR1):c.1861A>G (p.Thr621Ala)

Gene: RYR1 (ryanodine receptor 1; plus strand). Cytogenetic location: 19q13.2.
Variant type: single nucleotide variant.
Coding change: c.1861A>G on transcript NM_000540.3 (MANE Select); coding-DNA position 1861, A replaced by G.
Protein change: p.Thr621Ala; replaces threonine 621 with alanine.
Molecular consequence: missense variant.
Genome position (GRCh38, 1-based): chr19:38,457,566, A>G. VCF-style: chr19-38457566-A-G. GRCh37 (hg19) VCF-style: chr19-38948206-A-G.
Other names: p.T621A:ACT>GCT; c.1861A>G, p.Thr621Ala (NM_001042723.2); short protein forms T621A.
Identifiers: ClinVar variation 201144 (VCV000201144.3), dbSNP rs794728694, ClinGen allele CA024314.